The following is an entry in ClinVar:

ClinVar aggregate classification (germline): Uncertain significance (1 of 4 stars; one submission).

Conditions:
Ehlers-Danlos syndrome, classic type, 1 (EDSCL1). Also called: EHLERS-DANLOS SYNDROME, GRAVIS TYPE; EHLERS-DANLOS SYNDROME, SEVERE CLASSIC TYPE; Ehlers-Danlos syndrome, type 1; EDS I; Ehlers-Danlos Syndrome, Classic Type, COL5A1-Related. Identifiers: MedGen C0268335, MONDO:0019567, OMIM 130000.

Allele frequency attached by ClinVar (database versions not stated): gnomAD exomes below 0.00001.
gnomAD v4.1: 1 of 1,614,120 alleles (0.000062%); highest among the groups gnomAD compares: Admixed American, 0.0017%; no homozygotes.

Submission:

Labcorp Genetics (formerly Invitae), Labcorp
Classification: Uncertain significance for Ehlers-Danlos syndrome, classic type, 1. Last evaluated: 2024-09-09. Review status: criteria provided, single submitter. Criteria: Invitae Variant Classification Sherloc (09022015). Collection method: clinical testing. Allele origin: germline.
Comment: This sequence change replaces serine, which is neutral and polar, with threonine, which is neutral and polar, at codon 97 of the COL5A2 protein (p.Ser97Thr). This variant is not present in population databases (gnomAD no frequency). This variant has not been reported in the literature in individuals affected with COL5A2-related conditions. ClinVar contains an entry for this variant (Variation ID: 1959763). Invitae Evidence Modeling of protein sequence and biophysical properties (such as structural, functional, and spatial information, amino acid conservation, physicochemical variation, residue mobility, and thermodynamic stability) indicates that this missense variant is not expected to disrupt COL5A2 protein function with a negative predictive value of 95%. In summary, the available evidence is currently insufficient to determine the role of this variant in disease. Therefore, it has been classified as a Variant of Uncertain Significance.

NM_000393.5(COL5A2):c.289T>A (p.Ser97Thr)

Gene: COL5A2 (collagen type V alpha 2 chain; minus strand). Cytogenetic location: 2q32.2.
Variant type: single nucleotide variant.
Coding change: c.289T>A on transcript NM_000393.5 (MANE Select); coding-DNA position 289, T replaced by A.
Protein change: p.Ser97Thr; replaces serine 97 with threonine.
Molecular consequence: missense variant.
Genome position (GRCh38, 1-based): chr2:189,110,258, A>T on the plus strand (T>A on the coding strand, the complement: COL5A2 is on the minus strand). VCF-style: chr2-189110258-A-T. GRCh37 (hg19) VCF-style: chr2-189974984-A-T.
Other names: short protein forms S97T.
Identifiers: ClinVar variation 1959763 (VCV001959763.5), dbSNP rs1193876792, ClinGen allele CA349867464.